The following is an entry in ClinVar:

NM_001378615.1(CC2D2A):c.4037G>C (p.Gly1346Ala)

Genes: CC2D2A (coiled-coil and C2 domain containing 2A; plus strand), FBXL5 (F-box and leucine rich repeat protein 5; minus strand). Cytogenetic location: 4p15.32.
Variant type: single nucleotide variant.
Coding change: c.4037G>C on transcript NM_001378615.1 (MANE Select); coding-DNA position 4037, G replaced by C.
Protein change: p.Gly1346Ala; replaces glycine 1346 with alanine.
Molecular consequence: missense variant.
Genome position (GRCh38, 1-based): chr4:15,586,218, G>C. VCF-style: chr4-15586218-G-C. GRCh37 (hg19) VCF-style: chr4-15587841-G-C.
Other names: c.3890G>C, p.Gly1297Ala (NM_001378617.1); c.4037G>C, p.Gly1346Ala (NM_001080522.2); short protein forms G1297A, G1346A.
Identifiers: ClinVar variation 1522536 (VCV001522536.8), dbSNP rs1720849726, ClinGen allele CA356428429.

ClinVar aggregate classification (germline): Uncertain significance (1 of 4 stars; one submission).

Conditions:
Joubert syndrome. Also called: JOUBERT-BOLTSHAUSER SYNDROME; Familial aplasia of the vermis. Identifiers: Orphanet 475, MedGen C5979921, MONDO:0018772.
Meckel-Gruber syndrome. Also called: DYSENCEPHALIA SPLANCHNOCYSTICA; GRUBER SYNDROME; Dysencephalia splachnocystica. Identifiers: Orphanet 564, MedGen C0265215, MONDO:0018921.

Submission:

Labcorp Genetics (formerly Invitae), Labcorp
Classification: Uncertain significance for Joubert syndrome; Meckel-Gruber syndrome. Last evaluated: 2022-08-10. Review status: criteria provided, single submitter. Criteria: Invitae Variant Classification Sherloc (09022015). Collection method: clinical testing. Allele origin: germline.
Comment: In summary, the available evidence is currently insufficient to determine the role of this variant in disease. Therefore, it has been classified as a Variant of Uncertain Significance. Advanced modeling of protein sequence and biophysical properties (such as structural, functional, and spatial information, amino acid conservation, physicochemical variation, residue mobility, and thermodynamic stability) performed at Invitae indicates that this missense variant is expected to disrupt CC2D2A protein function. ClinVar contains an entry for this variant (Variation ID: 1522536). This variant has not been reported in the literature in individuals affected with CC2D2A-related conditions. This variant is not present in population databases (gnomAD no frequency). This sequence change replaces glycine, which is neutral and non-polar, with alanine, which is neutral and non-polar, at codon 1346 of the CC2D2A protein (p.Gly1346Ala).